The following is an entry in ClinVar:

ClinVar aggregate classification (germline): Uncertain significance (1 of 4 stars; one submission).

Conditions:
Congenital myasthenic syndrome 15. Also called: Myasthenic syndrome, congenital, 15, without tubular aggregates. Identifiers: Orphanet 353327, Orphanet 590, MedGen C4015596, MONDO:0014542, OMIM 616227.

Allele frequency attached by ClinVar (database versions not stated): gnomAD exomes 0.00001; TOPMed 0.00001.
gnomAD v4.1: 5 of 1,611,860 alleles (0.00031%); highest among the groups gnomAD compares: Non-Finnish European, 0.00042%; no homozygotes.

Submission:

Centre for Mendelian Genomics, University Medical Centre Ljubljana
Classification: Uncertain significance for Congenital myasthenic syndrome 15. Last evaluated: 2019-08-16. Review status: criteria provided, single submitter. Criteria: ACMG Guidelines, 2015. Collection method: clinical testing. Allele origin: unknown. Affected: yes.
Comment: This variant was classified as: Uncertain significance. The available evidence on this variant's pathogenicity is insufficient or conflicting. The following ACMG criteria were applied in classifying this variant: PM2,PM5,PP3.

NM_144988.4(ALG14):c.421G>A (p.Val141Met)

Gene: ALG14 (ALG14 UDP-N-acetylglucosaminyltransferase subunit; minus strand). Cytogenetic location: 1p21.3.
Variant type: single nucleotide variant.
Coding change: c.421G>A on transcript NM_144988.4 (MANE Select); coding-DNA position 421, G replaced by A.
Protein change: p.Val141Met; replaces valine 141 with methionine.
Molecular consequence: missense variant. On other transcripts: non-coding transcript variant (1).
Genome position (GRCh38, 1-based): chr1:94,983,306, C>T on the plus strand (G>A on the coding strand, the complement: ALG14 is on the minus strand). VCF-style: chr1-94983306-C-T. GRCh37 (hg19) VCF-style: chr1-95448862-C-T.
Other names: c.458G>A, p.Gly153Asp (NM_001305242.2); short protein forms G153D, V141M.
Identifiers: ClinVar variation 931162 (VCV000931162.3), dbSNP rs946253637, ClinGen allele CA27220452.